The following is an entry in ClinVar:

NM_052947.4(ALPK2):c.5942A>T (p.Glu1981Val)

Gene: ALPK2 (alpha kinase 2; minus strand). Cytogenetic location: 18q21.31.
Variant type: single nucleotide variant.
Coding change: c.5942A>T on transcript NM_052947.4 (MANE Select); coding-DNA position 5942, A replaced by T.
Protein change: p.Glu1981Val; replaces glutamic acid 1981 with valine.
Molecular consequence: missense variant.
Genome position (GRCh38, 1-based): chr18:58,515,080, T>A on the plus strand (A>T on the coding strand, the complement: ALPK2 is on the minus strand). VCF-style: chr18-58515080-T-A. GRCh37 (hg19) VCF-style: chr18-56182312-T-A.
Other names: short protein forms E1981V.
Identifiers: ClinVar variation 1750629 (VCV001750629.2), dbSNP rs144276398, ClinGen allele CA300909740.

ClinVar aggregate classification (germline): Uncertain significance (1 of 4 stars; one submission).

Allele frequency attached by ClinVar (database versions not stated): gnomAD 0.00004; TOPMed 0.00004; ESP Exome Variant Server 0.00008.
gnomAD v4.1: 6 of 1,609,658 alleles (0.00037%); highest among the groups gnomAD compares: African/African-American, 0.008%; no homozygotes.

Submission:

Ambry Genetics
Classification: Uncertain significance. Last evaluated: 2024-02-16. Review status: criteria provided, single submitter. Criteria: Ambry Variant Classification Scheme 2023. Collection method: clinical testing. Allele origin: germline.
Comment: The p.E1981V variant (also known as c.5942A>T), located in coding exon 9 of the ALPK2 gene, results from an A to T substitution at nucleotide position 5942. The glutamic acid at codon 1981 is replaced by valine, an amino acid with dissimilar properties. This amino acid position is conserved. In addition, this alteration is predicted to be tolerated by in silico analysis. Since supporting evidence is limited at this time, the clinical significance of this alteration remains unclear.